The following is an entry in ClinVar:

NM_000183.3(HADHB):c.758del (p.Lys253fs)

Gene: HADHB (hydroxyacyl-CoA dehydrogenase trifunctional multienzyme complex subunit beta; plus strand). Cytogenetic location: 2p23.3.
Variant type: Deletion.
Coding change: c.758del on transcript NM_000183.3 (MANE Select); coding-DNA position 758, one base deleted (A; older notation c.758delA).
Protein change: p.Lys253fs; shifts the reading frame from lysine 253.
Molecular consequence: frameshift variant.
Genome position (GRCh38, 1-based): chr2:26,279,262, A deleted; the last of 2 consecutive A bases (chr2:26,279,261-26,279,262); deleting either gives the same sequence. VCF-style (leftmost placement, unchanged base first): chr2-26279260-CA-C. GRCh37 (hg19) VCF-style: chr2-26502128-CA-C.
Other names: c.713del, p.Lys238fs (NM_001281512.2); c.692del, p.Lys231fs (NM_001281513.2); short protein forms K238fs, K253fs, K231fs.
Identifiers: ClinVar variation 5006268 (VCV005006268.2).

ClinVar aggregate classification (germline): Likely pathogenic (1 of 4 stars; one submission).

Conditions:
Mitochondrial trifunctional protein deficiency 2 (MTPD2). Identifiers: MedGen C5830374, MONDO:0958185, OMIM 620300.

Submission:

Juno Genomics, Hangzhou Juno Genomics, Inc
Classification: Likely pathogenic for Mitochondrial trifunctional protein deficiency 2. Review status: criteria provided, single submitter. Criteria: ACMG Guidelines, 2015. Collection method: clinical testing. Allele origin: germline.
Comment: Null variant in a gene where loss of function (LOF) is a known mechanism of disease.;Absent from controls (or at extremely low frequency if recessive) in Genome Aggregation Database.